The following is an entry in ClinVar:

NM_014989.7(RIMS1):c.4067C>T (p.Ala1356Val)

Gene: RIMS1 (regulating synaptic membrane exocytosis 1; plus strand). Cytogenetic location: 6q13.
Variant type: single nucleotide variant.
Coding change: c.4067C>T on transcript NM_014989.7 (MANE Select); coding-DNA position 4067, C replaced by T.
Protein change: p.Ala1356Val; replaces alanine 1356 with valine.
Molecular consequence: missense variant. On other transcripts: intron variant (24).
Genome position (GRCh38, 1-based): chr6:72,313,609, C>T. VCF-style: chr6-72313609-C-T. GRCh37 (hg19) VCF-style: chr6-73023312-C-T.
Other names: c.2027C>T, p.Ala676Val (NM_001168407.2); c.1988C>T, p.Ala663Val (NM_001350414.2); c.2111C>T, p.Ala704Val (NM_001350415.2); c.2060C>T, p.Ala687Val (NM_001350416.2); c.2033C>T, p.Ala678Val (NM_001350418.2); c.2141C>T, p.Ala714Val (NM_001350420.2); c.1886C>T, p.Ala629Val (NM_001350421.2); c.1802C>T, p.Ala601Val (NM_001350423.2, NM_001350444.2); and 51 more; short protein forms A545V, A596V, A629V, A652V, A656V, A659V, A662V, A663V.
Identifiers: ClinVar variation 930892 (VCV000930892.3), dbSNP rs2095619223, ClinGen allele CA364691119.

ClinVar aggregate classification (germline): Uncertain significance (1 of 4 stars; one submission).

Conditions:
Cone-rod dystrophy 7 (CORD7). Identifiers: Orphanet 1872, MedGen C1863634, MONDO:0011355, OMIM 603649.

Submission:

Centre for Mendelian Genomics, University Medical Centre Ljubljana
Classification: Uncertain significance for Cone-rod dystrophy 7. Last evaluated: 2020-01-20. Review status: criteria provided, single submitter. Criteria: ACMG Guidelines, 2015. Collection method: clinical testing. Allele origin: unknown. Affected: yes.
Comment: This variant was classified as: Uncertain significance. The available evidence on this variant's pathogenicity is insufficient or conflicting. The following ACMG criteria were applied in classifying this variant: PM2.